The following is an entry in ClinVar:

ClinVar aggregate classification (germline): Pathogenic (1 of 4 stars; one submission).

Conditions:
Familial adenomatous polyposis 1 (FAP1). Also called: FAMILIAL ADENOMATOUS POLYPOSIS 1, ATTENUATED; POLYPOSIS, ADENOMATOUS INTESTINAL. Identifiers: MedGen C2713442, MONDO:0021056, OMIM 175100. Disease mechanism: loss of function.

Submission:

Labcorp Genetics (formerly Invitae), Labcorp
Classification: Pathogenic for Familial adenomatous polyposis 1. Last evaluated: 2018-09-27. Review status: criteria provided, single submitter. Criteria: Invitae Variant Classification Sherloc (09022015). Collection method: clinical testing. Allele origin: germline.
Comment: For these reasons, this variant has been classified as Pathogenic. A different truncation (p.Tyr2645Lysfs*14) that lies downstream of this variant has been determined to be pathogenic (PMID: 9824584, 1316610, 27081525, 8381579, 22135120, Invitae). This suggests that deletion of this region of the APC protein is causative of disease. This variant is expected to disrupt the EB1 and HDLG binding sites, which mediate interactions with the cytoskeleton (PMID: 15311282, 17293347). While functional studies have not been performed to directly test the effect on APC protein function, this suggests that disruption of the C-terminal portion of the protein is functionally important. This variant has not been reported in the literature in individuals with APC-related disease. This variant is not present in population databases (ExAC no frequency). This sequence change results in a premature translational stop signal in the APC gene (p.Leu1617Hisfs*34). While this is not anticipated to result in nonsense mediated decay, it is expected to disrupt the last 1227 amino acids of the APC protein.

Literature cited by the submitters: PubMed 9824584; PubMed 1316610; PubMed 27081525; PubMed 8381579; PubMed 22135120; PubMed 15311282; PubMed 17293347.

NM_000038.6(APC):c.4848_4849dup (p.Leu1617fs)

Gene: APC (APC regulator of Wnt signaling pathway; plus strand). Cytogenetic location: 5q22.2.
Variant type: Duplication.
Coding change: c.4848_4849dup on transcript NM_000038.6 (MANE Select); coding-DNA positions 4848 to 4849, 2 bases duplicated (AC; older notation c.4848_4849dupAC).
Protein change: p.Leu1617fs; shifts the reading frame from leucine 1617.
Molecular consequence: frameshift variant.
Genome position (GRCh38, 1-based): chr5:112,840,442-112,840,443, AC duplicated. VCF-style (leftmost placement, unchanged base first): chr5-112840441-A-AAC. GRCh37 (hg19) VCF-style: chr5-112176138-A-AAC.
Other names: c.4848_4849dup, p.Leu1617fs (NM_001127510.3, NM_001354895.2); c.4794_4795dup, p.Leu1599fs (NM_001127511.3); c.4902_4903dup, p.Leu1635fs (NM_001354896.2); c.4878_4879dup, p.Leu1627fs (NM_001354897.2); c.4773_4774dup, p.Leu1592fs (NM_001354898.2); c.4764_4765dup, p.Leu1589fs (NM_001354899.2); c.4725_4726dup, p.Leu1576fs (NM_001354900.2); c.4671_4672dup, p.Leu1558fs (NM_001354901.2); and 5 more; short protein forms L1526fs, L1592fs, L1617fs, L1491fs, L1635fs, L1334fs, L1576fs, L1589fs.
Identifiers: ClinVar variation 650100 (VCV000650100.10), dbSNP rs1580653360, ClinGen allele CA915943497.